The following is an entry in ClinVar:

ClinVar aggregate classification (germline): Uncertain significance (1 of 4 stars; one submission).

Conditions:
Inborn genetic diseases. Identifiers: MedGen C0950123, MeSH D030342.

Submission:

Ambry Genetics
Classification: Uncertain significance for Inborn genetic diseases. Last evaluated: 2026-07-06. Review status: criteria provided, single submitter. Criteria: Ambry Variant Classification Scheme 2023. Collection method: clinical testing. Allele origin: germline.
Comment: The p.S152T variant (also known as c.455G>C), located in coding exon 2 of the GATA2 gene, results from a G to C substitution at nucleotide position 455. The serine at codon 152 is replaced by threonine, an amino acid with similar properties. This amino acid position is conserved. In addition, this alteration is predicted to be tolerated by in silico analysis. Based on the available evidence, the clinical significance of this variant remains unclear.

NM_032638.5(GATA2):c.455G>C (p.Ser152Thr)

Gene: GATA2 (GATA binding protein 2; minus strand). Cytogenetic location: 3q21.3.
Variant type: single nucleotide variant.
Coding change: c.455G>C on transcript NM_032638.5 (MANE Select); coding-DNA position 455, G replaced by C.
Protein change: p.Ser152Thr; replaces serine 152 with threonine.
Molecular consequence: missense variant.
Genome position (GRCh38, 1-based): chr3:128,486,143, C>G on the plus strand (G>C on the coding strand, the complement: GATA2 is on the minus strand). VCF-style: chr3-128486143-C-G. GRCh37 (hg19) VCF-style: chr3-128204986-C-G.
Other names: c.455G>C, p.Ser152Thr (NM_001145661.2, NM_001145662.1); short protein forms S152T.
Identifiers: ClinVar variation 5022193 (VCV005022193.1).
Genomic context (GRCh38, chr3:128,486,143, plus strand): 5'-CCGAAAAGGTGGGAGCCAGAGTGGGCTGCTGTAGGGGTGAGGGAGGCCACTGAGCTCCCG[C>G]TGCCTCCCCCGCTCCCACCCCCAGCCCCTGGGTACACAGAGAGTGGGCCTCCAGGGCCTC-3'
Protein context (NP_116027.2, residues 142-162): PGAGGGSGGG[Ser152Thr]GSSVASLTPT